The following is an entry in ClinVar:

ClinVar aggregate classification (germline): Uncertain significance. Review status: criteria provided, multiple submitters, no conflicts (2 of 4 stars). 3 submissions from 3 submitters: Uncertain significance (3). Last evaluated 2025-08-05.

Allele frequency attached by ClinVar (database versions not stated): ExAC 0.00001; TOPMed 0.00003; gnomAD 0.00003.
gnomAD v4.1: 24 of 1,613,296 alleles (0.0015%); highest among the groups gnomAD compares: East Asian, 0.011%; no homozygotes.

Submissions (3):

GeneDx
Classification: Uncertain significance. Last evaluated: 2025-08-05. Review status: criteria provided, single submitter. Criteria: GeneDx Variant Classification Process June 2021. Collection method: clinical testing. Allele origin: germline.
Comment: Not observed at significant frequency in large population cohorts (gnomAD); In silico analysis supports that this missense variant has a deleterious effect on protein structure/function; Has not been previously published as pathogenic or benign to our knowledge

Blueprint Genetics
Classification: Uncertain significance. Last evaluated: 2024-10-03. Review status: criteria provided, single submitter. Criteria: ACMG Guidelines, 2015. Collection method: clinical testing. Allele origin: germline.

Labcorp Genetics (formerly Invitae), Labcorp
Classification: Uncertain significance. Last evaluated: 2024-08-04. Review status: criteria provided, single submitter. Criteria: Invitae Variant Classification Sherloc (09022015). Collection method: clinical testing. Allele origin: germline.
Comment: This sequence change replaces arginine, which is basic and polar, with glutamine, which is neutral and polar, at codon 1334 of the CDH23 protein (p.Arg1334Gln). This variant is present in population databases (rs199953929, gnomAD 0.006%). This variant has not been reported in the literature in individuals affected with CDH23-related conditions. ClinVar contains an entry for this variant (Variation ID: 2141593). Advanced modeling of protein sequence and biophysical properties (such as structural, functional, and spatial information, amino acid conservation, physicochemical variation, residue mobility, and thermodynamic stability) performed at Invitae indicates that this missense variant is not expected to disrupt CDH23 protein function with a negative predictive value of 95%. In summary, the available evidence is currently insufficient to determine the role of this variant in disease. Therefore, it has been classified as a Variant of Uncertain Significance.

NM_022124.6(CDH23):c.4001G>A (p.Arg1334Gln)

Genes: C10orf105 (chromosome 10 open reading frame 105; minus strand), CDH23 (cadherin related 23; plus strand). Cytogenetic location: 10q22.1.
Variant type: single nucleotide variant.
Coding change: c.4001G>A on transcript NM_022124.6 (MANE Select); coding-DNA position 4001, G replaced by A.
Protein change: p.Arg1334Gln; replaces arginine 1334 with glutamine.
Molecular consequence: missense variant. On other transcripts: intron variant (1).
Genome position (GRCh38, 1-based): chr10:71,732,272, G>A. VCF-style: chr10-71732272-G-A. GRCh37 (hg19) VCF-style: chr10-73492029-G-A.
Other names: c.4001G>A, p.Arg1334Gln (NM_001171930.2); c.-6+5456C>T (NM_001168390.2); short protein forms R1334Q.
Identifiers: ClinVar variation 2141593 (VCV002141593.5), dbSNP rs199953929, ClinGen allele CA5544887.